The following continues an entry in ClinVar:

NM_003482.4(KMT2D):c.6595del (p.Tyr2199fs)

Gene: KMT2D. ClinVar aggregate classification (germline): Pathogenic. Pathogenic (15).

Submissions 13 to 17 of 17:

Genetic Services Laboratory, University of Chicago
Classification: Pathogenic for Kabuki syndrome 1. Last evaluated: 2013-09-25. Review status: criteria provided, single submitter. Criteria: ACMG Guidelines, 2007. Collection method: clinical testing. Allele origin: germline. Inheritance: Autosomal dominant inheritance. Affected: yes.

Baylor-Hopkins Center for Mendelian Genomics, Johns Hopkins University School of Medicine
Classification: Pathogenic for Kabuki syndrome 1. Review status: criteria provided, single submitter. Criteria: ACMG Guidelines, 2015. Collection method: research. Allele origin: de novo. Affected: yes. Observed: 1 variant allele.

Juno Genomics, Hangzhou Juno Genomics, Inc
Classification: Pathogenic for Choanal atresia-athelia-hypothyroidism-delayed puberty-short stature syndrome; Kabuki syndrome 1. Review status: criteria provided, single submitter. Criteria: ACMG Guidelines, 2015. Collection method: clinical testing. Allele origin: germline. Affected: yes.
Comment: Absent from controls (or at extremely low frequency if recessive) in Genome Aggregation Database, Exome Sequencing Project, 1000 Genomes Project, or Exome Aggregation Consortium.;Null variant in a gene where loss of function (LOF) is a known mechanism of disease.;The prevalence of the variant in affected individuals is significantly increased compared to the prevalence in controls.;De novo (both maternity and paternity confirmed) in a patient with the disease and no family history.;Patient's phenotype or family history is highly specific for a disease with a single genetic etiology.

Autoinflammatory diseases unit, CHU de Montpellier
Classification: Pathogenic for Kabuki syndrome 1. Last evaluated: 2018-02-15. Review status: no assertion criteria provided. Collection method: clinical testing. Allele origin: de novo. Affected: yes. Observed: 2 variant alleles. Not counted in ClinVar's aggregate classification.

Shaikh Laboratory, University of Colorado
Classification: Likely pathogenic for Kabuki make-up syndrome. Last evaluated: 2015-02-04. Review status: no assertion criteria provided. Criteria: research. Collection method: research. Allele origin: unknown. Affected: yes. Not counted in ClinVar's aggregate classification.

Literature cited by the submitters: PubMed 22126750 (cited by Labcorp Genetics (formerly Invitae), Labcorp); PubMed 20711175 (cited by Labcorp Genetics (formerly Invitae), Labcorp and Variantyx, Inc.); PubMed 21607748 (cited by Labcorp Genetics (formerly Invitae), Labcorp and Variantyx, Inc.); PubMed 23320472 (cited by Labcorp Genetics (formerly Invitae), Labcorp); PubMed 25755104 (cited by Labcorp Genetics (formerly Invitae), Labcorp); PubMed 25972376 (cited by 3 submitters); PubMed 27302555 (cited by Labcorp Genetics (formerly Invitae), Labcorp and Autoinflammatory diseases unit, CHU de Montpellier); PubMed 27620904 (cited by Labcorp Genetics (formerly Invitae), Labcorp); PubMed 28256057 (cited by Labcorp Genetics (formerly Invitae), Labcorp); PubMed 28884922 (cited by Labcorp Genetics (formerly Invitae), Labcorp); PubMed 29255178 (cited by 3 submitters); PubMed 21882399 (cited by Victorian Clinical Genetics Services, Murdoch Childrens Research Institute); PubMed 35060672 (cited by Victorian Clinical Genetics Services, Murdoch Childrens Research Institute); PubMed 31949313 (cited by Victorian Clinical Genetics Services, Murdoch Childrens Research Institute); PubMed 21671394 (cited by Variantyx, Inc.); PubMed 34232366 (cited by New York Genome Center and Women's Health and Genetics/Laboratory Corporation of America, LabCorp); PubMed 3551836 (cited by New York Genome Center); PubMed 36478645 (cited by New York Genome Center).